The following is an entry in ClinVar:

NM_004211.5(SLC6A5):c.1237A>G (p.Lys413Glu)

Gene: SLC6A5 (solute carrier family 6 member 5; plus strand). Cytogenetic location: 11p15.1.
Variant type: single nucleotide variant.
Coding change: c.1237A>G on transcript NM_004211.5 (MANE Select); coding-DNA position 1237, A replaced by G.
Protein change: p.Lys413Glu; replaces lysine 413 with glutamic acid.
Molecular consequence: missense variant.
Genome position (GRCh38, 1-based): chr11:20,617,861, A>G. VCF-style: chr11-20617861-A-G. GRCh37 (hg19) VCF-style: chr11-20639407-A-G.
Other names: c.535A>G, p.Lys179Glu (NM_001318369.2); short protein forms K413E, K179E.
Identifiers: ClinVar variation 1967489 (VCV001967489.2), dbSNP rs2494127641, ClinGen allele CA379916471.
Genomic context (GRCh38, chr11:20,617,861, plus strand): 5'-AGGTGGCCACTAGCTCTCTGCCTCTTCCTGGCTTGGGTCATTGTGTATGCATCATTGGCT[A>G]AAGGAATCAAGACTTCAGGAAAAGTAAGCACTTGGATTTATCTAAGAGAAAGCTGTGAGA-3'
Protein context (NP_004202.4, residues 403-423): AWVIVYASLA[Lys413Glu]GIKTSGKVVY

ClinVar aggregate classification (germline): Uncertain significance (1 of 4 stars; one submission).

Conditions:
Hyperekplexia 3 (HKPX3). Also called: HYPEREKPLEXIA 3, AUTOSOMAL RECESSIVE; HYPEREKPLEXIA 3, AUTOSOMAL DOMINANT. Identifiers: Orphanet 3197, MedGen C3553288, MONDO:0013827, OMIM 614618.

Submission:

Labcorp Genetics (formerly Invitae), Labcorp
Classification: Uncertain significance for Hyperekplexia 3. Last evaluated: 2022-04-07. Review status: criteria provided, single submitter. Criteria: Invitae Variant Classification Sherloc (09022015). Collection method: clinical testing. Allele origin: germline.
Comment: This sequence change replaces lysine, which is basic and polar, with glutamic acid, which is acidic and polar, at codon 413 of the SLC6A5 protein (p.Lys413Glu). This variant is not present in population databases (gnomAD no frequency). This variant has not been reported in the literature in individuals affected with SLC6A5-related conditions. Advanced modeling of protein sequence and biophysical properties (such as structural, functional, and spatial information, amino acid conservation, physicochemical variation, residue mobility, and thermodynamic stability) performed at Invitae indicates that this missense variant is expected to disrupt SLC6A5 protein function. In summary, the available evidence is currently insufficient to determine the role of this variant in disease. Therefore, it has been classified as a Variant of Uncertain Significance.